The following is an entry in ClinVar:

ClinVar aggregate classification (germline): Likely pathogenic (1 of 4 stars; one submission).

Submission:

GeneDx
Classification: Likely pathogenic. Last evaluated: 2024-11-27. Review status: criteria provided, single submitter. Criteria: GeneDx Variant Classification Process June 2021. Collection method: clinical testing. Allele origin: germline.
Comment: Nonsense variant predicted to result in protein truncation or nonsense mediated decay in a gene for which loss of function is a known mechanism of disease; Not observed at significant frequency in large population cohorts (gnomAD); Has not been previously published as pathogenic or benign to our knowledge

NM_004525.3(LRP2):c.7568G>A (p.Trp2523Ter)

Gene: LRP2 (LDL receptor related protein 2; minus strand). Cytogenetic location: 2q31.1.
Variant type: single nucleotide variant.
Coding change: c.7568G>A on transcript NM_004525.3 (MANE Select); coding-DNA position 7568, G replaced by A.
Protein change: p.Trp2523Ter; replaces tryptophan 2523 with a stop codon.
Molecular consequence: nonsense.
Genome position (GRCh38, 1-based): chr2:169,205,626, C>T on the plus strand (G>A on the coding strand, the complement: LRP2 is on the minus strand). VCF-style: chr2-169205626-C-T. GRCh37 (hg19) VCF-style: chr2-170062136-C-T.
Other names: short protein forms W2523*.
Identifiers: ClinVar variation 2430771 (VCV002430771.2), dbSNP rs2545805164, ClinGen allele CA349169596.
Genomic context (GRCh38, chr2:169,205,626, plus strand): 5'-ACGCGGAAGTTTCCTCCCAATGTGGCTCTCTCGATTTTGGCATGTGTATCCCAGTCAGCC[C>T]AGTACAGGTACCTAGTCATACAAAAGGAGTCAATAATTAATTCACAGGGAACCTCATAGT-3'